The following is an entry in ClinVar:

NM_001961.4(EEF2):c.75C>T (p.Ile25=)

Gene: EEF2 (eukaryotic translation elongation factor 2; minus strand). Cytogenetic location: 19p13.3.
Variant type: single nucleotide variant.
Coding change: c.75C>T on transcript NM_001961.4 (MANE Select); coding-DNA position 75, C replaced by T.
Protein change: p.Ile25=; no amino-acid change (isoleucine 25 retained).
Molecular consequence: synonymous variant.
Genome position (GRCh38, 1-based): chr19:3,984,279, G>A on the plus strand (C>T on the coding strand, the complement: EEF2 is on the minus strand). VCF-style: chr19-3984279-G-A. GRCh37 (hg19) VCF-style: chr19-3984277-G-A.
Identifiers: ClinVar variation 3037551 (VCV003037551.3), dbSNP rs753598099, ClinGen allele CA9089547.
Genomic context (GRCh38, chr19:3,984,279, plus strand): 5'-GATGCCCGCCTTGCACACCAGGGAGTCTGTCAGCGTGGACTTGCCATGGTCCACGTGGGC[G>A]ATGACAGACATGTTGCGGATGTTGGCCTTCTTGTCCATGATGGCGCGGATCTGGTCTACC-3'
Protein context (NP_001952.1, residues 15-35): KKANIRNMSV[Ile25=]AHVDHGKSTL

ClinVar aggregate classification (germline): Likely benign. Review status: criteria provided, single submitter (1 of 4 stars). 2 submissions from 2 submitters: Likely benign (1). 1 of the submissions does not count toward it. Last evaluated 2025-06-02.

Conditions:
EEF2-related disorder. Also called: EEF2-related condition.

Allele frequency attached by ClinVar (database versions not stated): TOPMed 0.00002; gnomAD 0.00003; gnomAD exomes 0.00003; ExAC 0.00004.
gnomAD v4.1: 42 of 1,614,088 alleles (0.0026%); highest among the groups gnomAD compares: Non-Finnish European, 0.0032%; no homozygotes.

Submissions (2):

Labcorp Genetics (formerly Invitae), Labcorp
Classification: Likely benign. Last evaluated: 2025-06-02. Review status: criteria provided, single submitter. Criteria: Invitae Variant Classification Sherloc (09022015). Collection method: clinical testing. Allele origin: germline.

PreventionGenetics, part of Exact Sciences
Classification: Likely benign for EEF2-related condition. Last evaluated: 2019-05-03. Review status: no assertion criteria provided. Collection method: clinical testing. Allele origin: germline. Not counted in ClinVar's aggregate classification.
Comment: This variant is classified as likely benign based on ACMG/AMP sequence variant interpretation guidelines (Richards et al. 2015 PMID: 25741868, with internal and published modifications).